The following is an entry in ClinVar:

ClinVar aggregate classification (germline): Uncertain significance (1 of 4 stars; one submission).

gnomAD v4.1: 3 of 1,613,786 alleles (0.00019%); highest among the groups gnomAD compares: African/African-American, 0.004%; no homozygotes.

Submission:

GeneDx
Classification: Uncertain significance. Last evaluated: 2024-08-13. Review status: criteria provided, single submitter. Criteria: GeneDx Variant Classification Process June 2021. Collection method: clinical testing. Allele origin: germline. Affected: yes.
Comment: Not observed at significant frequency in large population cohorts (gnomAD); Missense variant in a gene in which most reported pathogenic variants are truncating/loss of function; Has not been previously published as pathogenic or benign to our knowledge

NM_001267550.2(TTN):c.11938A>T (p.Thr3980Ser)

Gene: TTN (titin; minus strand). Cytogenetic location: 2q31.2.
Variant type: single nucleotide variant.
Coding change: c.11938A>T on transcript NM_001267550.2 (MANE Select); coding-DNA position 11938, A replaced by T.
Protein change: p.Thr3980Ser; replaces threonine 3980 with serine.
Molecular consequence: missense variant. On other transcripts: intron variant (1).
Genome position (GRCh38, 1-based): chr2:178,741,295, T>A on the plus strand (A>T on the coding strand, the complement: TTN is on the minus strand). VCF-style: chr2-178741295-T-A. GRCh37 (hg19) VCF-style: chr2-179606022-T-A.
Other names: c.10987A>T, p.Thr3663Ser (NM_001256850.1); c.10849A>T, p.Thr3617Ser (NM_003319.4); c.11224A>T, p.Thr3742Ser (NM_133432.3); c.11425A>T, p.Thr3809Ser (NM_133437.4); c.10361-2935A>T (NM_133378.4); short protein forms T3809S, T3980S, T3663S, T3617S, T3742S.
Identifiers: ClinVar variation 3731041 (VCV003731041.1).
Genomic context (GRCh38, chr2:178,741,295, plus strand): 5'-CATTGACAATGAAAGTTCCAGAGCCATTAGGGTTATGAATGATAGTGTAATAAACACTGG[T>A]GCAAAGCTGCTTGTTTTCTTTGAACCATGTAACAGTAGGGGCAGGCTCTCCAACCACTGT-3'
Protein context (NP_001254479.2, residues 3970-3990): TWFKENKQLC[Thr3980Ser]SVYYTIIHNP